The following is an entry in ClinVar:

ClinVar aggregate classification (germline): Uncertain significance (1 of 4 stars; one submission).

gnomAD v4.1: 18 of 1,611,664 alleles (0.0011%); no homozygotes.

Submission:

Ambry Genetics
Classification: Uncertain significance. Last evaluated: 2025-01-05. Review status: criteria provided, single submitter. Criteria: Ambry Variant Classification Scheme 2023. Collection method: clinical testing. Allele origin: germline.
Comment: The p.P862S variant (also known as c.2584C>T), located in coding exon 11 of the WNK2 gene, results from a C to T substitution at nucleotide position 2584. The proline at codon 862 is replaced by serine, an amino acid with similar properties. This amino acid position is conserved. In addition, the in silico prediction for this alteration is inconclusive. Based on the available evidence, the clinical significance of this variant remains unclear.

NM_006648.4(WNK2):c.2584C>T (p.Pro862Ser)

Gene: WNK2 (WNK lysine deficient protein kinase 2; plus strand). Cytogenetic location: 9q22.31.
Variant type: single nucleotide variant.
Coding change: c.2584C>T on transcript NM_006648.4 (MANE Select); coding-DNA position 2584, C replaced by T.
Protein change: p.Pro862Ser; replaces proline 862 with serine.
Molecular consequence: missense variant.
Genome position (GRCh38, 1-based): chr9:93,259,132, C>T. VCF-style: chr9-93259132-C-T. GRCh37 (hg19) VCF-style: chr9-96021414-C-T.
Other names: c.2584C>T, p.Pro862Ser (NM_001282394.3); short protein forms P862S.
Identifiers: ClinVar variation 3816743 (VCV003816743.1).
Genomic context (GRCh38, chr9:93,259,132, plus strand): 5'-AGCCTCGCTGCCCCACTCCCCCCTGCGTCCCCAGCCTTGCCTCTGCAGGCTGTGAAGCTG[C>T]CCCACCCCCCTGGGGCGCCCCTGGCCATGCCCTGCCGGACCATTGTGCCAAATGCACCGG-3'
Protein context (NP_006639.3, residues 852-872): PALPLQAVKL[Pro862Ser]HPPGAPLAMP